The following is an entry in ClinVar:

ClinVar aggregate classification (germline): Pathogenic (1 of 4 stars; one submission).

Conditions:
Autosomal recessive limb-girdle muscular dystrophy. Identifiers: Orphanet 102015, MedGen C2931907, MONDO:0015152.

Submission:

Myriad Genetics, Inc.
Classification: Pathogenic for Autosomal recessive limb-girdle muscular dystrophy. Last evaluated: 2023-11-19. Review status: criteria provided, single submitter. Criteria: Myriad Autosomal Dominant, Autosomal Recessive and X-Linked Classification Criteria (2023). Collection method: clinical testing. Allele origin: unknown.
Comment: NM_003494.3(DYSF):c.1661_1662ins16(R555Tfs*20) is expected to be pathogenic in the context of dysferlinopathy. This variant is predicted to lead to an abnormal or absent protein product due to the creation of a premature termination codon in DYSF, a gene where loss-of-function variants are known to be pathogenic. Please note: this variant was assessed in the context of healthy population screening.

NM_001130987.2(DYSF):c.1715_1716insTACTTTCCTCGTGAAC (p.Arg573fs)

Gene: DYSF (dysferlin; plus strand). Cytogenetic location: 2p13.2.
Variant type: Insertion.
Coding change: c.1715_1716insTACTTTCCTCGTGAAC on transcript NM_001130987.2 (MANE Select); coding-DNA positions 1715 to 1716, TACTTTCCTCGTGAAC inserted.
Protein change: p.Arg573fs; shifts the reading frame from arginine 573.
Molecular consequence: frameshift variant.
Genome position: GRCh38 VCF-style: chr2-71551629-G-GTACTTTCCTCGTGAAC. GRCh37 (hg19) VCF-style: chr2-71778759-G-GTACTTTCCTCGTGAAC.
Other names: c.1664_1665insTACTTTCCTCGTGAAC, p.Arg556fs (NM_001130455.2, NM_001130983.2); c.1619_1620insTACTTTCCTCGTGAAC, p.Arg541fs (NM_001130976.2, NM_001130977.2); c.1661_1662insTACTTTCCTCGTGAAC, p.Arg555fs (NM_001130978.2, NM_003494.4); c.1754_1755insTACTTTCCTCGTGAAC, p.Arg586fs (NM_001130979.2); c.1712_1713insTACTTTCCTCGTGAAC, p.Arg572fs (NM_001130980.2, NM_001130981.2); c.1757_1758insTACTTTCCTCGTGAAC, p.Arg587fs (NM_001130982.2); c.1622_1623insTACTTTCCTCGTGAAC, p.Arg542fs (NM_001130984.2, NM_001130986.2); c.1715_1716insTACTTTCCTCGTGAAC, p.Arg573fs (NM_001130985.2); short protein forms R541fs, R542fs, R555fs, R556fs, R572fs, R573fs, R586fs, R587fs.
Identifiers: ClinVar variation 5012498 (VCV005012498.1).